The following is an entry in ClinVar:

NM_001244008.2(KIF1A):c.4123A>G (p.Met1375Val)

Gene: KIF1A (kinesin family member 1A; minus strand). Cytogenetic location: 2q37.3.
Variant type: single nucleotide variant.
Coding change: c.4123A>G on transcript NM_001244008.2 (MANE Select); coding-DNA position 4123, A replaced by G.
Protein change: p.Met1375Val; replaces methionine 1375 with valine.
Molecular consequence: missense variant.
Genome position (GRCh38, 1-based): chr2:240,725,404, T>C on the plus strand (A>G on the coding strand, the complement: KIF1A is on the minus strand). VCF-style: chr2-240725404-T-C. GRCh37 (hg19) VCF-style: chr2-241664821-T-C.
Other names: c.3847A>G, p.Met1283Val (NM_001320705.2, NM_001379649.1); c.3874A>G, p.Met1292Val (NM_001330289.2); c.3922A>G, p.Met1308Val (NM_001330290.2, NM_001379648.1); c.4198A>G, p.Met1400Val (NM_001379631.1); c.4099A>G, p.Met1367Val (NM_001379632.1); c.4096A>G, p.Met1366Val (NM_001379633.1, NM_001379645.1); c.3949A>G, p.Met1317Val (NM_001379634.1); c.3946A>G, p.Met1316Val (NM_001379635.1, NM_001379646.1); and 7 more; short protein forms M1274V, M1282V, M1299V, M1308V, M1375V, M1400V, M1317V, M1273V.
Identifiers: ClinVar variation 1735266 (VCV001735266.2), dbSNP rs2045896288, ClinGen allele CA351308435.

ClinVar aggregate classification (germline): Uncertain significance (1 of 4 stars; one submission).

Conditions:
Inborn genetic diseases. Identifiers: MedGen C0950123, MeSH D030342.

Allele frequency attached by ClinVar (database versions not stated): gnomAD exomes below 0.00001.

Submission:

Ambry Genetics
Classification: Uncertain significance for Inborn genetic diseases. Last evaluated: 2019-07-11. Review status: criteria provided, single submitter. Criteria: Ambry Variant Classification Scheme 2023. Collection method: clinical testing. Allele origin: germline.
Comment: The p.M1274V variant (also known as c.3820A>G) is located in coding exon 37 of the KIF1A gene. The methionine at codon 1274 is replaced by valine, an amino acid with highly similar properties. This change occurs in the first base pair of coding exon 37. This amino acid position is well conserved in available vertebrate species. In addition, the in silico prediction for this alteration is inconclusive. Since supporting evidence is limited at this time, the clinical significance of this alteration remains unclear.